The following is an entry in ClinVar:

NM_022916.6(VPS33A):c.966C>T (p.Phe322=)

Gene: VPS33A (VPS33A core subunit of CORVET and HOPS complexes; minus strand). Cytogenetic location: 12q24.31.
Variant type: single nucleotide variant.
Coding change: c.966C>T on transcript NM_022916.6 (MANE Select); coding-DNA position 966, C replaced by T.
Protein change: p.Phe322=; no amino-acid change (phenylalanine 322 retained).
Molecular consequence: synonymous variant. On other transcripts: intron variant (1).
Genome position (GRCh38, 1-based): chr12:122,244,572, G>A on the plus strand (C>T on the coding strand, the complement: VPS33A is on the minus strand). VCF-style: chr12-122244572-G-A. GRCh37 (hg19) VCF-style: chr12-122729119-G-A.
Other names: c.933C>T, p.Phe311= (NM_001351018.2); c.918C>T, p.Phe306= (NM_001351019.2); c.776-4627C>T (NM_001351020.2).
Identifiers: ClinVar variation 1879246 (VCV001879246.34), dbSNP rs763113271, ClinGen allele CA6844473.

ClinVar aggregate classification (germline): Likely benign. Review status: criteria provided, multiple submitters, no conflicts (2 of 4 stars). 2 submissions from 2 submitters: Likely benign (2). Last evaluated 2022-10-01.

Allele frequency attached by ClinVar (database versions not stated): ExAC 0.00002; gnomAD exomes 0.00003.
gnomAD v4.1: 52 of 1,589,338 alleles (0.0033%); highest among the groups gnomAD compares: South Asian, 0.014%; no homozygotes.

Submissions (2):

CeGaT Center for Human Genetics Tuebingen
Classification: Likely benign. Last evaluated: 2022-10-01. Review status: criteria provided, single submitter. Criteria: CeGaT Center For Human Genetics Tuebingen Variant Classification Criteria Version 2. Collection method: clinical testing. Allele origin: germline. Affected: yes. Observed: 1 variant allele.
Comment: VPS33A: BP4, BP7

Labcorp Genetics (formerly Invitae), Labcorp
Classification: Likely benign. Last evaluated: 2021-12-02. Review status: criteria provided, single submitter. Criteria: Invitae Variant Classification Sherloc (09022015). Collection method: clinical testing. Allele origin: germline.